The following is an entry in ClinVar:

Single allele

Variant type: Deletion.
Identifiers: ClinVar variation 157188 (VCV000157188.2).

ClinVar aggregate classification (germline): not provided (0 of 4 stars; one submission).

Conditions:
Normal pregnancy. Identifiers: MedGen C0232989.

Submission:

Institute of Molecular and Cell Biology, University of Tartu
No classification provided. Condition: Normal pregnancy. Review status: no classification provided. Collection method: case-control. Allele origin: unknown. Affected: yes. Study: Kasak2014.
Comment: The study aimed to determine the contribution of copy number variants in the genetic etiology of normal and complicated pregnancies. The samples represented (i) maternal blood DNA drawn from healthy pregnant women during 1st or 2nd trimester and (ii) maternal and paternal blood DNA drawn at term pregnancy cases representing normal and complicated gestations (severe preeclampsia, PE; gestational diabetes, GD; small-for-gestational age newborn, SGA; large-for-gestational age newborn, LGA). We performed CNV calling based on genome-wide genotyping dataset (Illumina HumanOmniExpress-24-v1 BeadChip) by applying three algorithms, QuantiSNP, GADA (Genome Alteration Detection Algorithm) and CNstream in parallel. The acquired CNV calls were merged with HD-CNV (Hotspot Detector for Copy Number Variants) program and only the CNVs predicted by at least two programs, were considered in subsequent analysis.

Literature cited by the submitters: PubMed 25666259.